The following is an entry in ClinVar:

NM_003091.4(SNRPB):c.267T>C (p.Asp89=)

Gene: SNRPB (small nuclear ribonucleoprotein polypeptides B and B1; minus strand). Cytogenetic location: 20p13.
Variant type: single nucleotide variant.
Coding change: c.267T>C on transcript NM_003091.4 (MANE Select); coding-DNA position 267, T replaced by C.
Protein change: p.Asp89=; no amino-acid change (aspartic acid 89 retained).
Molecular consequence: synonymous variant.
Genome position (GRCh38, 1-based): chr20:2,465,708, A>G on the plus strand (T>C on the coding strand, the complement: SNRPB is on the minus strand). VCF-style: chr20-2465708-A-G. GRCh37 (hg19) VCF-style: chr20-2446354-A-G.
Other names: c.267T>C, p.Asp89= (NM_198216.2).
Identifiers: ClinVar variation 2182814 (VCV002182814.5), dbSNP rs551404125, ClinGen allele CA9732486.
Genomic context (GRCh38, chr20:2,465,708, plus strand): 5'-ACAGAGCCTGGCTCACAGTAGGGCCTCCCCTCCTCCACAAGGCTTCCTGCTCTGACTTAC[A>G]TCTTTGGGAGGAGGTCCCTCTACTGTCATTGAGACCAGATTCTCCCCTCGCAGCAGCACC-3'
Protein context (NP_003082.1, residues 79-99): SMTVEGPPPK[Asp89=]TGIARVPLAG

ClinVar aggregate classification (germline): Uncertain significance (1 of 4 stars; one submission).

Allele frequency attached by ClinVar (database versions not stated): gnomAD exomes 0.00001; TOPMed 0.00001; ExAC 0.00004; gnomAD 0.00005; 1000 Genomes Project 30x 0.00031; 1000 Genomes Project 0.00040.
gnomAD v4.1: 19 of 1,604,308 alleles (0.0012%); highest among the groups gnomAD compares: Middle Eastern, 0.017%; no homozygotes.

Submissions (5):

Labcorp Genetics (formerly Invitae), Labcorp
Classification: Uncertain significance. Last evaluated: 2023-01-15. Review status: criteria provided, single submitter. Criteria: Invitae Variant Classification Sherloc (09022015). Collection method: clinical testing. Allele origin: germline.
Comment: In summary, the available evidence is currently insufficient to determine the role of this variant in disease. Therefore, it has been classified as a Variant of Uncertain Significance. Algorithms developed to predict the effect of sequence changes on RNA splicing suggest that this variant is not likely to affect RNA splicing. This variant has not been reported in the literature in individuals affected with SNRPB-related conditions. This variant is present in population databases (rs551404125, gnomAD 0.02%). This sequence change affects codon 89 of the SNRPB mRNA. It is a 'silent' change, meaning that it does not change the encoded amino acid sequence of the SNRPB protein. It affects a nucleotide within the consensus splice site.

Dr. Peter K. Rogan Lab, Western University
No classification provided (evidence only). Condition: Melanoma. Review status: no classification provided. Collection method: in vitro. Allele origin: not applicable. Functional consequence: retained intron. Not counted in ClinVar's aggregate classification.

Dr. Peter K. Rogan Lab, Western University
No classification provided (evidence only). Condition: Familial cancer of breast. Review status: no classification provided. Collection method: in vitro. Allele origin: not applicable. Functional consequence: retained intron. Not counted in ClinVar's aggregate classification.

Dr. Peter K. Rogan Lab, Western University
No classification provided (evidence only). Condition: Malignant lymphoma, large B-cell, diffuse. Review status: no classification provided. Collection method: in vitro. Allele origin: not applicable. Functional consequence: retained intron. Not counted in ClinVar's aggregate classification.

Dr. Peter K. Rogan Lab, Western University
No classification provided (evidence only). Condition: Malignant tumor of esophagus. Review status: no classification provided. Collection method: in vitro. Allele origin: not applicable. Functional consequence: retained intron. Not counted in ClinVar's aggregate classification.